The following is an entry in ClinVar:

ClinVar aggregate classification (germline): Benign/Likely benign. Review status: criteria provided, multiple submitters, no conflicts (2 of 4 stars). 6 submissions from 6 submitters: Benign (3); Likely benign (3). Last evaluated 2026-02-04.

Conditions:
Cerebroretinal microangiopathy with calcifications and cysts 1 (CRMCC1). Identifiers: Orphanet 313838, MedGen C4552029, MONDO:0024564, OMIM 612199.
Dyskeratosis congenita. Identifiers: Orphanet 1775, MedGen C0265965, MONDO:0015780.

Allele frequency attached by ClinVar (database versions not stated): gnomAD exomes 0.00137 and 0.00324; ExAC 0.00412; ESP Exome Variant Server 0.01362; gnomAD 0.01365 and 0.01470; TOPMed 0.01551; 1000 Genomes Project 0.01577; 1000 Genomes Project 30x 0.01733.
gnomAD v4.1: 4,110 of 1,613,946 alleles (0.25%); highest among the groups gnomAD compares: African/African-American, 4.9%; 105 homozygotes.

Submissions (6):

Labcorp Genetics (formerly Invitae), Labcorp
Classification: Benign for Dyskeratosis congenita. Last evaluated: 2026-02-04. Review status: criteria provided, single submitter. Criteria: Invitae Variant Classification Sherloc (09022015). Collection method: clinical testing. Allele origin: germline.

ARUP Laboratories, Molecular Genetics and Genomics, ARUP Laboratories
Classification: Benign for Cerebroretinal microangiopathy with calcifications and cysts 1. Last evaluated: 2024-07-19. Review status: criteria provided, single submitter. Criteria: ARUP Molecular Germline Variant Investigation Process 2024. Collection method: clinical testing. Allele origin: germline.

Genome-Nilou Lab
Classification: Benign for Cerebroretinal microangiopathy with calcifications and cysts 1. Last evaluated: 2021-07-15. Review status: criteria provided, single submitter. Criteria: ACMG Guidelines, 2015. Collection method: clinical testing. Allele origin: germline. Affected: no.

GeneDx
Classification: Likely benign. Last evaluated: 2020-12-17. Review status: criteria provided, single submitter. Criteria: GeneDx Variant Classification Process June 2021. Collection method: clinical testing. Allele origin: germline. Affected: yes.

Illumina Laboratory Services, Illumina
Classification: Likely benign for Dyskeratosis congenita. Last evaluated: 2017-04-27. Review status: criteria provided, single submitter. Criteria: ICSL Variant Classification Criteria 13 December 2019. Collection method: clinical testing. Allele origin: germline.
Comment: This variant was observed as part of a predisposition screen in an ostensibly healthy population. A literature search was performed for the gene, cDNA change, and amino acid change (where applicable). No publications were found based on this search. Allele frequency data from public databases allowed determination this variant is unlikely to cause disease. Therefore, this variant is classified as likely benign.

Breakthrough Genomics
Classification: Likely benign. Review status: criteria provided, single submitter. Criteria: ACMG Guidelines, 2015. Collection method: not provided. Allele origin: germline. Inheritance: Autosomal recessive inheritance. Affected: yes.

NM_025099.6(CTC1):c.126A>G (p.Val42=)

Gene: CTC1 (CST telomere replication complex component 1; minus strand). Cytogenetic location: 17p13.1.
Variant type: single nucleotide variant.
Coding change: c.126A>G on transcript NM_025099.6 (MANE Select); coding-DNA position 126, A replaced by G.
Protein change: p.Val42=; no amino-acid change (valine 42 retained).
Molecular consequence: synonymous variant. On other transcripts: non-coding transcript variant (1).
Genome position (GRCh38, 1-based): chr17:8,243,056, T>C on the plus strand (A>G on the coding strand, the complement: CTC1 is on the minus strand). VCF-style: chr17-8243056-T-C. GRCh37 (hg19) VCF-style: chr17-8146374-T-C.
Identifiers: ClinVar variation 326089 (VCV000326089.22), dbSNP rs116271319, ClinGen allele CA8372710.